The following is an entry in ClinVar:

NM_001256627.2(BRSK2):c.117C>A (p.Cys39Ter)

Gene: BRSK2 (BR serine/threonine kinase 2; plus strand). Cytogenetic location: 11p15.5.
Variant type: single nucleotide variant.
Coding change: c.117C>A on transcript NM_001256627.2 (MANE Select); coding-DNA position 117, C replaced by A.
Protein change: p.Cys39Ter; replaces cysteine 39 with a stop codon.
Molecular consequence: nonsense. On other transcripts: 5 prime UTR variant (1), non-coding transcript variant (1).
Genome position (GRCh38, 1-based): chr11:1,436,065, C>A. VCF-style: chr11-1436065-C-A. GRCh37 (hg19) VCF-style: chr11-1457295-C-A.
Other names: c.117C>A, p.Cys39Ter (NM_001256629.2, NM_003957.4); c.255C>A, p.Cys85Ter (NM_001256630.1); c.-64C>A (NM_001282218.2); short protein forms C39*, C85*.
Identifiers: ClinVar variation 3359012 (VCV003359012.3).

ClinVar aggregate classification (germline): Pathogenic (1 of 4 stars; one submission).

Conditions:
BRSK2-associated neurodevelopmental disorder.

Submission:

Institute of Human Genetics, University of Leipzig Medical Center
Classification: Pathogenic for BRSK2-associated neurodevelopmental disorder. Last evaluated: 2025-11-03. Review status: criteria provided, single submitter. Criteria: ACMG Guidelines, 2015. Collection method: clinical testing. Allele origin: de novo. Inheritance: Autosomal dominant inheritance. Affected: yes.
Comment: Criteria applied: PVS1,PM2,PS2_MOD

Literature cited by the submitters: PubMed 30879638.